The following is an entry in ClinVar:

ClinVar aggregate classification (germline): Likely pathogenic. Review status: criteria provided, multiple submitters, no conflicts (2 of 4 stars). 2 submissions from 2 submitters: Likely pathogenic (2). Last evaluated 2024-12-26.

Conditions:
Glycogen storage disease, type II (IOPD). Also called: CARDIOMEGALIA GLYCOGENICA DIFFUSA; GLYCOGENOSIS, GENERALIZED, CARDIAC FORM; GSD II; Glucosidase acid-1,4-alpha deficiency; Pompe Disease; Glycogen storage disease type 2. Identifiers: Orphanet 365, MedGen C0017921, MONDO:0009290, OMIM 232300.

Submissions (2):

Natera, Inc.
Classification: Likely pathogenic for Glycogen storage disease type II. Last evaluated: 2024-12-26. Review status: criteria provided, single submitter. Criteria: Natera Variant Classification Schema (03/2026). Collection method: clinical testing. Allele origin: germline.
Comment: The c.2122dupC variant in GAA is a frameshift variant predicted to shift the reading frame beginning at codon 708 and leads to a stop codon 29 codons downstream. This variant may result in a truncated or dysfunctional protein product. This variant is rare in the general population with a frequency below the threshold expected for the associated phenotype(s). Given the available evidence, this variant is classified as Likely Pathogenic.

Baylor Genetics
Classification: Likely pathogenic for Glycogen storage disease, type II. Last evaluated: 2022-10-12. Review status: criteria provided, single submitter. Criteria: ACMG Guidelines, 2015. Collection method: clinical testing. Allele origin: unknown.

NM_000152.5(GAA):c.2122dup (p.His708fs)

Gene: GAA (alpha glucosidase; plus strand). Cytogenetic location: 17q25.3.
Variant type: Duplication.
Coding change: c.2122dup on transcript NM_000152.5 (MANE Select); coding-DNA position 2122, one base duplicated (C; older notation c.2122dupC).
Protein change: p.His708fs; shifts the reading frame from histidine 708.
Molecular consequence: frameshift variant.
Genome position (GRCh38, 1-based): chr17:80,113,299, C duplicated; the last of 5 consecutive C bases (chr17:80,113,295-80,113,299); duplicating any one gives the same sequence. VCF-style (leftmost placement, unchanged base first): chr17-80113294-T-TC. GRCh37 (hg19) VCF-style: chr17-78087093-T-TC.
Other names: c.2122dup, p.His708fs (NM_001079803.3, NM_001079804.3, NM_001406741.1 and 1 more transcripts); c.2122dupC (NM_000152.4); short protein forms H708fs.
Identifiers: ClinVar variation 2675786 (VCV002675786.2), dbSNP rs2510386542, ClinGen allele CA2695200364.